The following is an entry in ClinVar:

NM_001369.3(DNAH5):c.3837A>T (p.Glu1279Asp)

Genes: DNAH5 (dynein axonemal heavy chain 5; minus strand), DNAH5-AS1 (DNAH5 antisense RNA 1; plus strand). Cytogenetic location: 5p15.2.
Variant type: single nucleotide variant.
Coding change: c.3837A>T on transcript NM_001369.3 (MANE Select); coding-DNA position 3837, A replaced by T.
Protein change: p.Glu1279Asp; replaces glutamic acid 1279 with aspartic acid.
Molecular consequence: missense variant.
Genome position (GRCh38, 1-based): chr5:13,867,990, T>A on the plus strand (A>T on the coding strand, the complement: DNAH5 is on the minus strand). VCF-style: chr5-13867990-T-A. GRCh37 (hg19) VCF-style: chr5-13868099-T-A.
Other names: short protein forms E1279D.
Identifiers: ClinVar variation 1987925 (VCV001987925.1), dbSNP rs750132119, ClinGen allele CA3204148.

ClinVar aggregate classification (germline): Uncertain significance (1 of 4 stars; one submission).

Conditions:
Primary ciliary dyskinesia. Also called: Ciliary dyskinesia. Identifiers: Orphanet 244, MedGen C0008780, MONDO:0016575, HP:0012265.

Allele frequency attached by ClinVar (database versions not stated): TOPMed 0.00002; ExAC 0.00004.
gnomAD v4.1: 21 of 1,587,674 alleles (0.0013%); highest among the groups gnomAD compares: Admixed American, 0.035%; no homozygotes.

Submission:

Labcorp Genetics (formerly Invitae), Labcorp
Classification: Uncertain significance for Primary ciliary dyskinesia. Last evaluated: 2022-02-10. Review status: criteria provided, single submitter. Criteria: Invitae Variant Classification Sherloc (09022015). Collection method: clinical testing. Allele origin: germline.
Comment: This sequence change replaces glutamic acid, which is acidic and polar, with aspartic acid, which is acidic and polar, at codon 1279 of the DNAH5 protein (p.Glu1279Asp). This variant is present in population databases (rs750132119, gnomAD 0.05%). This variant has not been reported in the literature in individuals affected with DNAH5-related conditions. Algorithms developed to predict the effect of missense changes on protein structure and function are either unavailable or do not agree on the potential impact of this missense change (SIFT: "Deleterious"; PolyPhen-2: "Benign"; Align-GVGD: "Class C0"). In summary, the available evidence is currently insufficient to determine the role of this variant in disease. Therefore, it has been classified as a Variant of Uncertain Significance.